The following is an entry in ClinVar:

ClinVar aggregate classification (germline): Uncertain significance (1 of 4 stars; one submission).

Allele frequency attached by ClinVar (database versions not stated): TOPMed below 0.00001.

Submission:

GeneDx
Classification: Uncertain significance. Last evaluated: 2022-09-16. Review status: criteria provided, single submitter. Criteria: GeneDx Variant Classification Process June 2021. Collection method: clinical testing. Allele origin: germline. Affected: yes.
Comment: Not observed at significant frequency in large population cohorts (gnomAD); In silico analysis supports that this missense variant does not alter protein structure/function; Has not been previously published as pathogenic or benign to our knowledge

NM_004606.5(TAF1):c.2465G>A (p.Arg822Gln)

Gene: TAF1 (TATA-box binding protein associated factor 1; plus strand). Cytogenetic location: Xq13.1.
Variant type: single nucleotide variant.
Coding change: c.2465G>A on transcript NM_004606.5 (MANE Select); coding-DNA position 2465, G replaced by A.
Protein change: p.Arg822Gln; replaces arginine 822 with glutamine.
Molecular consequence: missense variant. On other transcripts: non-coding transcript variant (9).
Genome position (GRCh38, 1-based): chrX:71,388,274, G>A. VCF-style: chrX-71388274-G-A. GRCh37 (hg19) VCF-style: chrX-70608124-G-A.
Other names: c.2465G>A, p.Arg822Gln (NM_001286074.2); c.2402G>A, p.Arg801Gln (NM_138923.4); short protein forms R801Q, R822Q.
Identifiers: ClinVar variation 2444762 (VCV002444762.1), dbSNP rs2034361558, ClinGen allele CA413520794.